The following is an entry in ClinVar:

NM_001174096.2(ZEB1):c.3198GGA[4] (p.Glu1072del)

Gene: ZEB1 (zinc finger E-box binding homeobox 1; plus strand). Cytogenetic location: 10p11.22.
Variant type: Microsatellite.
Coding change: c.3198GGA[4] on transcript NM_001174096.2 (MANE Select); four copies in a row of the 3-base unit GGA starting at c.3198; the reference has five copies in a row; one copy, 3 bases deleted.
Protein change: p.Glu1072del; deletes glutamic acid 1072.
Molecular consequence: inframe deletion.
Genome position (GRCh38, 1-based): chr10:31,527,096-31,527,098, GGA deleted; deleting any 3 consecutive bases within chr10:31,527,082-31,527,098 gives the same sequence; the position shown is the placement nearest the transcript's 3' end. VCF-style (leftmost placement, unchanged base first): chr10-31527081-AGAG-A. GRCh37 (hg19) VCF-style: chr10-31816009-AGAG-A.
Other names: c.3147GGA[4], p.Glu1055del (NM_001128128.3); c.3135GGA[4], p.Glu1051del (NM_001174093.2); c.3144GGA[4], p.Glu1054del (NM_001174094.2); c.2994GGA[4], p.Glu1004del (NM_001174095.2); c.2541GGA[4], p.Glu853del (NM_001323638.2, NM_001323641.2, NM_001323642.2 and 27 more transcripts); c.2973GGA[4], p.Glu997del (NM_001323674.2); c.2931GGA[4], p.Glu983del (NM_001323675.2); c.3156GGA[4], p.Glu1058del (NM_001323676.2); and 3 more; short protein forms E1071del, E1072del, E853del, E980del, E1051del, E1054del, E1055del, E1057del.
Identifiers: ClinVar variation 715020 (VCV000715020.28), dbSNP rs369270839, ClinGen allele CA5461920.

ClinVar aggregate classification (germline): Benign/Likely benign. Review status: criteria provided, multiple submitters, no conflicts (2 of 4 stars). 3 submissions from 3 submitters: Benign (2); Likely benign (1). Last evaluated 2024-09-12.

Submissions (3):

Blueprint Genetics
Classification: Likely benign. Last evaluated: 2024-09-12. Review status: criteria provided, single submitter. Criteria: ACMG Guidelines, 2015. Collection method: clinical testing. Allele origin: germline.

CeGaT Center for Human Genetics Tuebingen
Classification: Benign. Last evaluated: 2022-04-01. Review status: criteria provided, single submitter. Criteria: CeGaT Center For Human Genetics Tuebingen Variant Classification Criteria Version 2. Collection method: clinical testing. Allele origin: germline. Affected: yes. Observed: 1 variant allele.
Comment: ZEB1: BS1, BS2

Labcorp Genetics (formerly Invitae), Labcorp
Classification: Benign. Last evaluated: 2018-10-10. Review status: criteria provided, single submitter. Criteria: Invitae Variant Classification Sherloc (09022015). Collection method: clinical testing. Allele origin: germline.